The following is an entry in ClinVar:

ClinVar aggregate classification (germline): Uncertain significance. Review status: criteria provided, multiple submitters, no conflicts (2 of 4 stars). 2 submissions from 2 submitters: Uncertain significance (2). Last evaluated 2025-06-24.

Conditions:
Emery-Dreifuss muscular dystrophy (EDMD). Also called: Scapuloperoneal syndrome, X-linked (formerly); Humeroperoneal neuromuscular disease, (formerly). Identifiers: Orphanet 261, MedGen C0410189, MONDO:0016830.

Allele frequency attached by ClinVar (database versions not stated): gnomAD 0.00003; TOPMed 0.00005.
gnomAD v4.1: 26 of 1,606,808 alleles (0.0016%); highest among the groups gnomAD compares: African/African-American, 0.016%; no homozygotes.

Submissions (2):

Ambry Genetics
Classification: Uncertain significance. Last evaluated: 2025-06-24. Review status: criteria provided, single submitter. Criteria: Ambry Variant Classification Scheme 2023. Collection method: clinical testing. Allele origin: germline.

Labcorp Genetics (formerly Invitae), Labcorp
Classification: Uncertain significance for Emery-Dreifuss muscular dystrophy. Last evaluated: 2022-06-27. Review status: criteria provided, single submitter. Criteria: Invitae Variant Classification Sherloc (09022015). Collection method: clinical testing. Allele origin: germline.
Comment: This variant has not been reported in the literature in individuals affected with SUN1-related conditions. In summary, the available evidence is currently insufficient to determine the role of this variant in disease. Therefore, it has been classified as a Variant of Uncertain Significance. Algorithms developed to predict the effect of missense changes on protein structure and function (SIFT, PolyPhen-2, Align-GVGD) all suggest that this variant is likely to be disruptive. This variant is present in population databases (rs778801320, gnomAD 0.03%). This sequence change replaces arginine, which is basic and polar, with cysteine, which is neutral and slightly polar, at codon 54 of the SUN1 protein (p.Arg54Cys).

NM_001130965.3(SUN1):c.160C>T (p.Arg54Cys)

Gene: SUN1 (Sad1 and UNC84 domain containing 1; plus strand). Cytogenetic location: 7p22.3.
Variant type: single nucleotide variant.
Coding change: c.160C>T on transcript NM_001130965.3 (MANE Select); coding-DNA position 160, C replaced by T.
Protein change: p.Arg54Cys; replaces arginine 54 with cysteine.
Molecular consequence: missense variant. On other transcripts: 5 prime UTR variant (2), non-coding transcript variant (3), intron variant (2).
Genome position (GRCh38, 1-based): chr7:838,880, C>T. VCF-style: chr7-838880-C-T. GRCh37 (hg19) VCF-style: chr7-878517-C-T.
Other names: c.160C>T (NM_001130965.2); c.160C>T, p.Arg54Cys (NM_001171944.2, NM_001171946.2, NM_001367633.1 and 34 more transcripts); c.223C>T, p.Arg75Cys (NM_001171945.2); c.-298C>T (NM_001367635.1); c.10C>T, p.Arg4Cys (NM_001367636.1, NM_001367637.1, NM_001367644.1 and 25 more transcripts); c.379C>T, p.Arg127Cys (NM_001367651.1); c.-602C>T (NM_001367658.1); c.78-3066C>T (NM_001367695.1); and 1 more; short protein forms R127C, R4C, R54C, R75C.
Identifiers: ClinVar variation 2419511 (VCV002419511.7), dbSNP rs778801320, ClinGen allele CA4111397.
Genomic context (GRCh38, chr7:838,880, plus strand): 5'-CTGGATTTTGAGACGGAGCACAAATTGGACCCTGTATTTGATTCTCCACGGATGTCCCGC[C>T]GTAGTTTGCGCCTGGCCACGACAGCATGCACCCTGGGGGATGGTGAGGCTGTGGGTGCCG-3'
Protein context (NP_001124437.1, residues 44-64): PVFDSPRMSR[Arg54Cys]SLRLATTACT